The following is an entry in ClinVar:

NM_004752.4(GCM2):c.168G>C (p.Lys56Asn)

Gene: GCM2 (GCM transcription factor 2; minus strand). Cytogenetic location: 6p24.2.
Variant type: single nucleotide variant.
Coding change: c.168G>C on transcript NM_004752.4 (MANE Select); coding-DNA position 168, G replaced by C.
Protein change: p.Lys56Asn; replaces lysine 56 with asparagine.
Molecular consequence: missense variant.
Genome position (GRCh38, 1-based): chr6:10,877,315, C>G on the plus strand (G>C on the coding strand, the complement: GCM2 is on the minus strand). VCF-style: chr6-10877315-C-G. GRCh37 (hg19) VCF-style: chr6-10877548-C-G.
Other names: short protein forms K56N.
Identifiers: ClinVar variation 723831 (VCV000723831.18), dbSNP rs11963184, ClinGen allele CA3634146.

ClinVar aggregate classification (germline): Benign/Likely benign. Review status: criteria provided, multiple submitters, no conflicts (2 of 4 stars). 6 submissions from 6 submitters: Benign (1); Likely benign (4). 1 of the submissions does not count toward it. Last evaluated 2026-01-27.

Conditions:
Hypoparathyroidism, familial isolated, 2. Identifiers: MedGen C5394383, MONDO:0020798, OMIM 618883.
Hyperparathyroidism 4 (HRPT4). Identifiers: MedGen C4479229, MONDO:0024570, OMIM 617343.
Familial hypoparathyroidism. Also called: Familial isolated hypoparathyroidism. Identifiers: Orphanet 2238, MedGen C1832648, MONDO:0016390.
GCM2-related disorder. Also called: GCM2-related condition.

Allele frequency attached by ClinVar (database versions not stated): gnomAD exomes 0.00020 and 0.00056; ExAC 0.00064; ESP Exome Variant Server 0.00200; gnomAD 0.00213 and 0.00230; TOPMed 0.00225; 1000 Genomes Project 0.00240; 1000 Genomes Project 30x 0.00281.
gnomAD v4.1: 641 of 1,614,222 alleles (0.04%); highest among the groups gnomAD compares: African/African-American, 0.71%; 7 homozygotes.

Submissions (6):

Labcorp Genetics (formerly Invitae), Labcorp
Classification: Likely benign. Last evaluated: 2026-01-27. Review status: criteria provided, single submitter. Criteria: Invitae Variant Classification Sherloc (09022015). Collection method: clinical testing. Allele origin: germline.

Blueprint Genetics
Classification: Likely benign. Last evaluated: 2024-11-13. Review status: criteria provided, single submitter. Criteria: ACMG Guidelines, 2015. Collection method: clinical testing. Allele origin: germline.

Department of Pathology and Laboratory Medicine, Sinai Health System
Classification: Likely benign for Hyperparathyroidism 4; Hypoparathyroidism, familial isolated, 2. Last evaluated: 2021-07-30. Review status: criteria provided, single submitter. Criteria: ACMG Guidelines, 2015. Collection method: research. Allele origin: germline.

Genetic Services Laboratory, University of Chicago
Classification: Benign. Last evaluated: 2019-10-28. Review status: criteria provided, single submitter. Criteria: ACMG Guidelines, 2015. Collection method: clinical testing. Allele origin: germline. Affected: no.

Illumina Laboratory Services, Illumina
Classification: Likely benign for Hypoparathyroidism, familial isolated 1. Last evaluated: 2018-01-12. Review status: criteria provided, single submitter. Criteria: ICSL Variant Classification Criteria 13 December 2019. Collection method: clinical testing. Allele origin: germline.
Comment: This variant was observed in the ICSL laboratory as part of a predisposition screen in an ostensibly healthy population. It had not been previously curated by ICSL or reported in the Human Gene Mutation Database (HGMD: prior to June 1st, 2018), and was therefore a candidate for classification through an automated scoring system. Utilizing variant allele frequency, disease prevalence and penetrance estimates, and inheritance mode, an automated score was calculated to assess if this variant is too frequent to cause the disease. Based on the score and internal cut-off values, a variant classified as likely benign is not then subjected to further curation. The score for this variant resulted in a classification of likely benign for this disease.

PreventionGenetics, part of Exact Sciences
Classification: Benign for GCM2-related condition. Last evaluated: 2019-08-29. Review status: no assertion criteria provided. Collection method: clinical testing. Allele origin: germline. Not counted in ClinVar's aggregate classification.
Comment: This variant is classified as benign based on ACMG/AMP sequence variant interpretation guidelines (Richards et al. 2015 PMID: 25741868, with internal and published modifications).